The following is an entry in ClinVar:

NM_005273.4(GNB2):c.155G>A (p.Arg52His)

Gene: GNB2 (G protein subunit beta 2; plus strand). Cytogenetic location: 7q22.1.
Variant type: single nucleotide variant.
Coding change: c.155G>A on transcript NM_005273.4 (MANE Select); coding-DNA position 155, G replaced by A.
Protein change: p.Arg52His; replaces arginine 52 with histidine.
Molecular consequence: missense variant.
Genome position (GRCh38, 1-based): chr7:100,676,751, G>A. VCF-style: chr7-100676751-G-A. GRCh37 (hg19) VCF-style: chr7-100274374-G-A.
Other names: short protein forms R52H.
Identifiers: ClinVar variation 3662446 (VCV003662446.2).

ClinVar aggregate classification (germline): Uncertain significance (1 of 4 stars; one submission).

Submission:

Labcorp Genetics (formerly Invitae), Labcorp
Classification: Uncertain significance. Last evaluated: 2024-08-31. Review status: criteria provided, single submitter. Criteria: Invitae Variant Classification Sherloc (09022015). Collection method: clinical testing. Allele origin: germline.
Comment: This sequence change replaces arginine, which is basic and polar, with histidine, which is basic and polar, at codon 52 of the GNB2 protein (p.Arg52His). This variant is not present in population databases (gnomAD no frequency). This variant has not been reported in the literature in individuals affected with GNB2-related conditions. Invitae Evidence Modeling of protein sequence and biophysical properties (such as structural, functional, and spatial information, amino acid conservation, physicochemical variation, residue mobility, and thermodynamic stability) indicates that this missense variant is not expected to disrupt GNB2 protein function with a negative predictive value of 80%. In summary, the available evidence is currently insufficient to determine the role of this variant in disease. Therefore, it has been classified as a Variant of Uncertain Significance.